The following is an entry in ClinVar:

NM_000090.4(COL3A1):c.1150-1G>T

Gene: COL3A1 (collagen type III alpha 1 chain; plus strand). Cytogenetic location: 2q32.2.
Variant type: single nucleotide variant.
Coding change: c.1150-1G>T on transcript NM_000090.4 (MANE Select); the canonical splice acceptor site of the intron before coding-DNA position 1150, G replaced by T.
Molecular consequence: splice acceptor variant.
Genome position (GRCh38, 1-based): chr2:188,994,037, G>T. VCF-style: chr2-188994037-G-T. GRCh37 (hg19) VCF-style: chr2-189858763-G-T.
Identifiers: ClinVar variation 4756778 (VCV004756778.1).

ClinVar aggregate classification (germline): Likely pathogenic (1 of 4 stars; one submission).

Conditions:
Familial thoracic aortic aneurysm and aortic dissection (TAAD). Also called: Thoracic aortic aneurysms and dissections. Identifiers: Orphanet 91387, MedGen C4707243, MONDO:0019625.

Submission:

Color Diagnostics, LLC DBA Color Health
Classification: Likely pathogenic for Familial thoracic aortic aneurysm and aortic dissection. Last evaluated: 2025-05-12. Review status: criteria provided, single submitter. Criteria: ACMG Guidelines, 2015. Collection method: clinical testing. Allele origin: germline.
Comment: This variant causes a G>T nucleotide substitution at the -1 position of intron 16 of the COL3A1 gene. Splice site prediction tools suggest that this variant may have a significant impact on RNA splicing. Although this prediction has not been confirmed in published RNA studies, this variant is expected to result in an absent or disrupted protein product. Skipping of exon 16 is expected to disrupt multiple conserved glycine residues within the Gly-Xaa-Yaa repeat motifs of the triple helical domain of the COL3A1 protein. These conserved glycine residues are required for the structural stability of fibrillar collagens (PMID: 7695699, 8218237, 19344236). This variant has not been reported in individuals affected with COL3A1-related disorders in the literature. This variant has not been identified in the general population by the Genome Aggregation Database (gnomAD). Based on the available evidence, this variant is classified as Likely Pathogenic.

Literature cited by the submitters: PubMed 7695699; PubMed 8218237; PubMed 19344236.